The following is an entry in ClinVar:

NM_001371596.2(MFSD8):c.999G>C (p.Lys333Asn)

Gene: MFSD8 (major facilitator superfamily domain containing 8; minus strand). Cytogenetic location: 4q28.2.
Variant type: single nucleotide variant.
Coding change: c.999G>C on transcript NM_001371596.2 (MANE Select); coding-DNA position 999, G replaced by C.
Protein change: p.Lys333Asn; replaces lysine 333 with asparagine.
Molecular consequence: missense variant.
Genome position (GRCh38, 1-based): chr4:127,921,963, C>G on the plus strand (G>C on the coding strand, the complement: MFSD8 is on the minus strand). VCF-style: chr4-127921963-C-G. GRCh37 (hg19) VCF-style: chr4-128843118-C-G.
Other names: c.798G>C, p.Lys266Asn (NM_001363520.3); c.684G>C, p.Lys228Asn (NM_001363521.3); c.864G>C, p.Lys288Asn (NM_001371590.2); c.999G>C, p.Lys333Asn (NM_001371591.2, NM_152778.4); c.1005G>C, p.Lys335Asn (NM_001371592.2); c.885G>C, p.Lys295Asn (NM_001371593.2); c.852G>C, p.Lys284Asn (NM_001371594.2); c.717G>C, p.Lys239Asn (NM_001371595.1); and 1 more; short protein forms K333N, K228N, K266N, K239N, K284N, K288N, K295N, K335N.
Identifiers: ClinVar variation 533373 (VCV000533373.7), dbSNP rs1057520312, ClinGen allele CA358172136.

ClinVar aggregate classification (germline): Uncertain significance. Review status: criteria provided, single submitter (1 of 4 stars). 2 submissions from 2 submitters: Uncertain significance (1). 1 of the submissions does not count toward it. Last evaluated 2021-10-08.

Conditions:
Neuronal ceroid lipofuscinosis 7 (CLN7). Also called: MFSD8-Related Neuronal Ceroid-Lipofuscinosis. Identifiers: Orphanet 168491, Orphanet 228366, MedGen C1838571, MONDO:0012588, OMIM 610951.
Late-infantile neuronal ceroid lipofuscinosis. Also called: Jansky-Bielschowsky disease. Identifiers: MedGen C0022340, MONDO:0015674.

Allele frequency attached by ClinVar (database versions not stated): TOPMed below 0.00001; gnomAD 0.00001.
gnomAD v4.1: 4 of 1,613,184 alleles (0.00025%); highest among the groups gnomAD compares: Non-Finnish European, 0.00034%; no homozygotes.

Submissions (2):

Labcorp Genetics (formerly Invitae), Labcorp
Classification: Uncertain significance for Neuronal ceroid lipofuscinosis 7. Last evaluated: 2021-10-08. Review status: criteria provided, single submitter. Criteria: Invitae Variant Classification Sherloc (09022015). Collection method: clinical testing. Allele origin: germline.
Comment: This sequence change replaces lysine with asparagine at codon 333 of the MFSD8 protein (p.Lys333Asn). The lysine residue is moderately conserved and there is a moderate physicochemical difference between lysine and asparagine. This variant is not present in population databases (ExAC no frequency). This variant has not been reported in the literature in individuals affected with MFSD8-related conditions. Algorithms developed to predict the effect of missense changes on protein structure and function (SIFT, PolyPhen-2, Align-GVGD) all suggest that this variant is likely to be tolerated. Algorithms developed to predict the effect of sequence changes on RNA splicing suggest that this variant may disrupt the consensus splice site. In summary, the available evidence is currently insufficient to determine the role of this variant in disease. Therefore, it has been classified as a Variant of Uncertain Significance.

Natera, Inc.
Classification: Uncertain significance for Late-infantile neuronal ceroid lipofuscinosis. Last evaluated: 2021-02-02. Review status: no assertion criteria provided. Collection method: clinical testing. Allele origin: germline. Not counted in ClinVar's aggregate classification.